The following is an entry in ClinVar:

NM_017617.5(NOTCH1):c.3250G>A (p.Glu1084Lys)

Gene: NOTCH1 (notch receptor 1; minus strand). Cytogenetic location: 9q34.3.
Variant type: single nucleotide variant.
Coding change: c.3250G>A on transcript NM_017617.5 (MANE Select); coding-DNA position 3250, G replaced by A.
Protein change: p.Glu1084Lys; replaces glutamic acid 1084 with lysine.
Molecular consequence: missense variant.
Genome position (GRCh38, 1-based): chr9:136,508,307, C>T on the plus strand (G>A on the coding strand, the complement: NOTCH1 is on the minus strand). VCF-style: chr9-136508307-C-T. GRCh37 (hg19) VCF-style: chr9-139402759-C-T.
Other names: short protein forms E1084K.
Identifiers: ClinVar variation 3719053 (VCV003719053.2).

ClinVar aggregate classification (germline): Uncertain significance (1 of 4 stars; one submission).

Conditions:
Adams-Oliver syndrome 5 (AOS5). Identifiers: Orphanet 974, MedGen C4014970, MONDO:0014459, OMIM 616028.

gnomAD v4.1: 23 of 1,612,964 alleles (0.0014%); highest among the groups gnomAD compares: South Asian, 0.0022%; no homozygotes.

Submission:

Labcorp Genetics (formerly Invitae), Labcorp
Classification: Uncertain significance for Adams-Oliver syndrome 5. Last evaluated: 2025-06-29. Review status: criteria provided, single submitter. Criteria: Invitae Variant Classification Sherloc (09022015). Collection method: clinical testing. Allele origin: germline.
Comment: This sequence change replaces glutamic acid, which is acidic and polar, with lysine, which is basic and polar, at codon 1084 of the NOTCH1 protein (p.Glu1084Lys). This variant is present in population databases (rs766361207, gnomAD 0.003%). This variant has not been reported in the literature in individuals affected with NOTCH1-related conditions. ClinVar contains an entry for this variant (Variation ID: 3719053). Invitae Evidence Modeling of protein sequence and biophysical properties (such as structural, functional, and spatial information, amino acid conservation, physicochemical variation, residue mobility, and thermodynamic stability) indicates that this missense variant is not expected to disrupt NOTCH1 protein function with a negative predictive value of 80%. In summary, the available evidence is currently insufficient to determine the role of this variant in disease. Therefore, it has been classified as a Variant of Uncertain Significance.